The following is an entry in ClinVar:

NM_006767.4(LZTR1):c.2468C>T (p.Ser823Phe)

Gene: LZTR1 (leucine zipper like post translational regulator 1; plus strand). Cytogenetic location: 22q11.21.
Variant type: single nucleotide variant.
Coding change: c.2468C>T on transcript NM_006767.4 (MANE Select); coding-DNA position 2468, C replaced by T.
Protein change: p.Ser823Phe; replaces serine 823 with phenylalanine.
Molecular consequence: missense variant.
Genome position (GRCh38, 1-based): chr22:20,997,293, C>T. VCF-style: chr22-20997293-C-T. GRCh37 (hg19) VCF-style: chr22-21351582-C-T.
Other names: short protein forms S823F.
Identifiers: ClinVar variation 1791716 (VCV001791716.9), dbSNP rs764779655, ClinGen allele CA10119473.

ClinVar aggregate classification (germline): Conflicting classifications of pathogenicity. Review status: criteria provided, conflicting classifications (1 of 4 stars). 5 submissions from 5 submitters: Uncertain significance (4); Likely benign (1). Last evaluated 2025-10-08.

Conditions:
Hereditary cancer-predisposing syndrome. Also called: Hereditary neoplastic syndrome; Neoplastic Syndromes, Hereditary; Tumor predisposition; Hereditary Cancer Syndrome. Identifiers: Orphanet 140162, MedGen C0027672, MeSH D009386, MONDO:0015356.
Cardiovascular phenotype. Identifiers: MedGen CN230736.
LZTR1-related schwannomatosis. Also called: Schwannomatosis-2, susceptibility to; Schwannomatosis 2. Identifiers: Orphanet 93921, MedGen C3810283, MONDO:0014299, OMIM 615670.

Allele frequency attached by ClinVar (database versions not stated): ExAC 0.00001; gnomAD 0.00001; gnomAD exomes 0.00001; TOPMed 0.00001.
gnomAD v4.1: 19 of 1,613,740 alleles (0.0012%); highest among the groups gnomAD compares: Admixed American, 0.0017%; no homozygotes.

Submissions (5):

Labcorp Genetics (formerly Invitae), Labcorp
Classification: Uncertain significance. Last evaluated: 2025-10-08. Review status: criteria provided, single submitter. Criteria: Invitae Variant Classification Sherloc (09022015). Collection method: clinical testing. Allele origin: germline.
Comment: This sequence change replaces serine, which is neutral and polar, with phenylalanine, which is neutral and non-polar, at codon 823 of the LZTR1 protein (p.Ser823Phe). This variant is present in population databases (rs764779655, gnomAD 0.002%). This variant has not been reported in the literature in individuals affected with LZTR1-related conditions. ClinVar contains an entry for this variant (Variation ID: 1791716). Invitae Evidence Modeling of protein sequence and biophysical properties (such as structural, functional, and spatial information, amino acid conservation, physicochemical variation, residue mobility, and thermodynamic stability) indicates that this missense variant is not expected to disrupt LZTR1 protein function with a negative predictive value of 80%. In summary, the available evidence is currently insufficient to determine the role of this variant in disease. Therefore, it has been classified as a Variant of Uncertain Significance.

Women's Health and Genetics/Laboratory Corporation of America, LabCorp
Classification: Uncertain significance. Last evaluated: 2023-11-21. Review status: criteria provided, single submitter. Criteria: LabCorp Variant Classification Summary - May 2015. Collection method: clinical testing. Allele origin: germline.
Comment: Variant summary: LZTR1 c.2468C>T (p.Ser823Phe) results in a non-conservative amino acid change in the encoded protein sequence. Four of five in-silico tools predict a damaging effect of the variant on protein function. The variant allele was found at a frequency of 4e-06 in 250908 control chromosomes (gnomAD). The available data on variant occurrences in the general population are insufficient to allow any conclusion about variant significance. To our knowledge, no occurrence of c.2468C>T in individuals affected with Noonan Syndrome and no experimental evidence demonstrating its impact on protein function have been reported. Two submitters have cited clinical-significance assessments for this variant to ClinVar after 2014. Both submitters classified the variant as uncertain significance. Based on the evidence outlined above, the variant was classified as uncertain significance.

Baylor Genetics
Classification: Uncertain significance for LZTR1-related schwannomatosis. Last evaluated: 2023-07-25. Review status: criteria provided, single submitter. Criteria: ACMG Guidelines, 2015. Collection method: clinical testing. Allele origin: unknown.

Ambry Genetics
Classification: Uncertain significance for Cardiovascular phenotype; Hereditary cancer-predisposing syndrome. Last evaluated: 2021-12-13. Review status: criteria provided, single submitter. Criteria: Ambry General Variant Classification Scheme_2022. Collection method: clinical testing. Allele origin: germline. Observed: 1 variant allele.
Comment: The p.S823F variant (also known as c.2468C>T), located in coding exon 21 of the LZTR1 gene, results from a C to T substitution at nucleotide position 2468. The serine at codon 823 is replaced by phenylalanine, an amino acid with highly dissimilar properties. This amino acid position is highly conserved in available vertebrate species. In addition, the in silico prediction for this alteration is inconclusive. Since supporting evidence is limited at this time, the clinical significance of this alteration remains unclear.

Blueprint Genetics
Classification: Likely benign. Last evaluated: 2018-09-17. Review status: criteria provided, single submitter. Criteria: ACMG Guidelines, 2015. Collection method: clinical testing. Allele origin: germline.